The following is an entry in ClinVar:

NM_001367871.1(FBRSL1):c.1933A>G (p.Thr645Ala)

Gene: FBRSL1 (fibrosin like 1; plus strand). Cytogenetic location: 12q24.33.
Variant type: single nucleotide variant.
Coding change: c.1933A>G on transcript NM_001367871.1 (MANE Select); coding-DNA position 1933, A replaced by G.
Protein change: p.Thr645Ala; replaces threonine 645 with alanine.
Molecular consequence: missense variant.
Genome position (GRCh38, 1-based): chr12:132,581,761, A>G. VCF-style: chr12-132581761-A-G. GRCh37 (hg19) VCF-style: chr12-133158347-A-G.
Other names: c.2062A>G, p.Thr688Ala (NM_001142641.2); c.1987A>G, p.Thr663Ala (NM_001382739.1); c.1312A>G, p.Thr438Ala (NM_001382740.1); short protein forms T438A, T645A, T663A, T688A.
Identifiers: ClinVar variation 4533444 (VCV004533444.6).

ClinVar aggregate classification (germline): Likely benign (1 of 4 stars; one submission).

gnomAD v4.1: 6,036 of 1,549,868 alleles (0.39%); highest among the groups gnomAD compares: Non-Finnish European, 0.41%; 20 homozygotes.

Submission:

CeGaT Center for Human Genetics Tuebingen
Classification: Likely benign. Last evaluated: 2026-09-01. Review status: criteria provided, single submitter. Criteria: CeGaT Center For Human Genetics Tuebingen Variant Classification Criteria Version 2. Collection method: clinical testing. Allele origin: germline. Affected: yes. Observed: 5 variant alleles.
Comment: FBRSL1: BP4, BS2